The following is an entry in ClinVar:

NM_000492.4(CFTR):c.2906C>T (p.Ala969Val)

Gene: CFTR (CF transmembrane conductance regulator; plus strand). Cytogenetic location: 7q31.2.
Variant type: single nucleotide variant.
Coding change: c.2906C>T on transcript NM_000492.4 (MANE Select); coding-DNA position 2906, C replaced by T.
Protein change: p.Ala969Val; replaces alanine 969 with valine.
Molecular consequence: missense variant.
Genome position (GRCh38, 1-based): chr7:117,603,780, C>T. VCF-style: chr7-117603780-C-T. GRCh37 (hg19) VCF-style: chr7-117243834-C-T.
Other names: short protein forms A969V.
Identifiers: ClinVar variation 973860 (VCV000973860.1), dbSNP rs936934088, ClinGen allele CA164960406.

ClinVar aggregate classification (germline): Uncertain significance (1 of 4 stars; one submission).

Conditions:
Cystic fibrosis (CF). Also called: MUCOVISCIDOSIS. Identifiers: Orphanet 586, MedGen C0010674, MONDO:0009061, OMIM 219700. Disease mechanism: loss of function.

Allele frequency attached by ClinVar (database versions not stated): gnomAD exomes below 0.00001; TOPMed 0.00001.
gnomAD v4.1: 1 of 1,613,686 alleles (0.000062%); highest among the groups gnomAD compares: African/African-American, 0.0013%; no homozygotes.

Submission:

Johns Hopkins Genomics, Johns Hopkins University
Classification: Uncertain significance for Cystic fibrosis. Last evaluated: 2020-03-09. Review status: criteria provided, single submitter. Criteria: ACMG Guidelines, 2015. Collection method: clinical testing. Allele origin: germline.
Comment: CFTR c.2906C>T has not been reported in patients with cystic fibrosis to our knowledge and it is absent from a large population dataset. Three bioinformatic tools predict that this substitution would be tolerated, however the alanine residue at this position is evolutionarily conserved across many of the species assessed. Bioinformatic analysis predicts that this missense variant may affect normal exon 17 (legacy exon 15) splicing, but this has not been confirmed experimentally to our knowledge. We consider the clinical significance of c.2906C>T to be uncertain at this time.